The following is an entry in ClinVar:

NM_000053.4(ATP7B):c.1608delinsGTATAAGAGACAGT (p.Ile537fs)

Gene: ATP7B (ATPase copper transporting beta; minus strand). Cytogenetic location: 13q14.3.
Variant type: Indel.
Coding change: c.1608delinsGTATAAGAGACAGT on transcript NM_000053.4 (MANE Select); coding-DNA position 1608, C replaced by GTATAAGAGACAGT.
Protein change: p.Ile537fs; shifts the reading frame from isoleucine 537.
Molecular consequence: frameshift variant. On other transcripts: intron variant (1).
Genome position (GRCh38, 1-based): chr13:51,968,543, G replaced by ACTGTCTCTTATAC on the plus strand (C replaced by GTATAAGAGACAGT on the coding strand, the reverse complement: ATP7B is on the minus strand). VCF-style: chr13-51968543-G-ACTGTCTCTTATAC. GRCh37 (hg19) VCF-style: chr13-52542679-G-ACTGTCTCTTATAC.
Other names: c.1608delinsGTATAAGAGACAGT, p.Ile537fs (NM_001005918.3, NM_001330578.2, NM_001330579.2 and 26 more transcripts); c.1275delinsGTATAAGAGACAGT, p.Ile426fs (NM_001243182.2); c.1575delinsGTATAAGAGACAGT, p.Ile526fs (NM_001406514.1, NM_001406524.1); c.1512delinsGTATAAGAGACAGT, p.Ile505fs (NM_001406517.1, NM_001406518.1, NM_001406530.1 and 3 more transcripts); c.1179delinsGTATAAGAGACAGT, p.Ile394fs (NM_001406539.1); c.1285+5392delinsGTATAAGAGACAGT (NM_001406548.1); short protein forms I394fs, I426fs, I505fs, I526fs, I537fs.
Identifiers: ClinVar variation 5011523 (VCV005011523.1).

ClinVar aggregate classification (germline): Pathogenic (1 of 4 stars; one submission).

Conditions:
Wilson disease (WND). Also called: Wilson's disease. Identifiers: Orphanet 905, MedGen C0019202, MONDO:0010200, OMIM 277900. Disease mechanism: loss of function.

Submission:

Myriad Genetics, Inc.
Classification: Pathogenic for Wilson disease. Last evaluated: 2023-09-03. Review status: criteria provided, single submitter. Criteria: Myriad Autosomal Dominant, Autosomal Recessive and X-Linked Classification Criteria (2023). Collection method: clinical testing. Allele origin: unknown.
Comment: NM_000053.3(ATP7B):c.1608del1ins14(I537Yfs*20) is expected to be pathogenic in the context of Wilson disease. This variant is predicted to lead to an abnormal or absent protein product due to the creation of a premature termination codon in ATP7B, a gene where loss-of-function variants are known to be pathogenic. Please note: this variant was assessed in the context of healthy population screening.